The following is an entry in ClinVar:

ClinVar aggregate classification (germline): Uncertain significance (1 of 4 stars; one submission).

Conditions:
Idiopathic Pulmonary Fibrosis. Also called: Idiopathic fibrosing alveolitis, chronic form; idiopathic fibrosing alveolitis. Identifiers: Orphanet 2032, MedGen C1800706, MeSH D054990, MONDO:0800504.
Dyskeratosis congenita, autosomal dominant 2. Identifiers: MedGen C3151443, MONDO:0013521, OMIM 613989.

Allele frequency attached by ClinVar (database versions not stated): TOPMed below 0.00001.

Submission:

Labcorp Genetics (formerly Invitae), Labcorp
Classification: Uncertain significance for Dyskeratosis congenita, autosomal dominant 2; Idiopathic Pulmonary Fibrosis. Last evaluated: 2023-04-08. Review status: criteria provided, single submitter. Criteria: Invitae Variant Classification Sherloc (09022015). Collection method: clinical testing. Allele origin: germline.
Comment: This variant occurs in a non-coding region of the TERT gene. It does not change the encoded amino acid sequence of the TERT protein. In summary, the available evidence is currently insufficient to determine the role of this variant in disease. Therefore, it has been classified as a Variant of Uncertain Significance. This variant has not been reported in the literature in individuals affected with TERT-related conditions. This variant is not present in population databases (gnomAD no frequency).

NM_198253.3(TERT):c.-57A>T

Genes: TERT (telomerase reverse transcriptase; minus strand), LOC110806263 (TERT 5' regulatory region; plus strand). Cytogenetic location: 5p15.33.
Variant type: single nucleotide variant.
Coding change: c.-57A>T on transcript NM_198253.3 (MANE Select); 57 bases upstream of the start codon, A replaced by T.
Molecular consequence: 5 prime UTR variant. On other transcripts: non-coding transcript variant (2).
Genome position (GRCh38, 1-based): chr5:1,295,046, T>A on the plus strand (A>T on the coding strand, the complement: TERT is on the minus strand). VCF-style: chr5-1295046-T-A. GRCh37 (hg19) VCF-style: chr5-1295161-T-A.
Other names: c.-57A>T (NM_001193376.3).
Identifiers: ClinVar variation 2942777 (VCV002942777.3), dbSNP rs878855297, ClinGen allele CA1522559387.